The following is an entry in ClinVar:

NM_144999.4(LRRC45):c.182C>T (p.Thr61Met)

Gene: LRRC45 (leucine rich repeat containing 45; plus strand). Cytogenetic location: 17q25.3.
Variant type: single nucleotide variant.
Coding change: c.182C>T on transcript NM_144999.4 (MANE Select); coding-DNA position 182, C replaced by T.
Protein change: p.Thr61Met; replaces threonine 61 with methionine.
Molecular consequence: missense variant.
Genome position (GRCh38, 1-based): chr17:82,023,825, C>T. VCF-style: chr17-82023825-C-T. GRCh37 (hg19) VCF-style: chr17-79981701-C-T.
Other names: c.182C>T (NM_144999.3); short protein forms T61M.
Identifiers: ClinVar variation 2344874 (VCV002344874.3), dbSNP rs372848486, ClinGen allele CA8847532.

ClinVar aggregate classification (germline): Uncertain significance. Review status: criteria provided, multiple submitters, no conflicts (2 of 4 stars). 2 submissions from 2 submitters: Uncertain significance (2). Last evaluated 2026-03-04.

Conditions:
LRRC45-related disorder. Also called: LRRC45-related condition.

Allele frequency attached by ClinVar (database versions not stated): gnomAD exomes 0.00006; ExAC 0.00008; ESP Exome Variant Server 0.00008; TOPMed 0.00008; gnomAD 0.00009.
gnomAD v4.1: 103 of 1,568,226 alleles (0.0066%); highest among the groups gnomAD compares: Admixed American, 0.0094%; no homozygotes.

Submissions (2):

PreventionGenetics, part of Exact Sciences
Classification: Uncertain significance for LRRC45-related condition. Last evaluated: 2026-03-04. Review status: criteria provided, single submitter. Criteria: ACMG Guidelines, 2015. Collection method: clinical testing. Allele origin: germline.
Comment: The LRRC45 c.182C>T variant is predicted to result in the amino acid substitution p.Thr61Met. To our knowledge, this variant has not been reported in the literature. This variant is reported in 0.013% of alleles in individuals of European (Non-Finnish) descent in gnomAD. At this time, the clinical significance of this variant is uncertain due to the absence of conclusive functional and genetic evidence.

Ambry Genetics
Classification: Uncertain significance. Last evaluated: 2022-06-27. Review status: criteria provided, single submitter. Criteria: Ambry Variant Classification Scheme 2023. Collection method: clinical testing. Allele origin: germline.